The following is an entry in ClinVar:

NM_001349338.3(FOXP1):c.1597G>A (p.Val533Ile)

Gene: FOXP1 (forkhead box P1; minus strand). Cytogenetic location: 3p13.
Variant type: single nucleotide variant.
Coding change: c.1597G>A on transcript NM_001349338.3 (MANE Select); coding-DNA position 1597, G replaced by A.
Protein change: p.Val533Ile; replaces valine 533 with isoleucine.
Molecular consequence: missense variant. On other transcripts: non-coding transcript variant (2), intron variant (1).
Genome position (GRCh38, 1-based): chr3:70,972,610, C>T on the plus strand (G>A on the coding strand, the complement: FOXP1 is on the minus strand). VCF-style: chr3-70972610-C-T. GRCh37 (hg19) VCF-style: chr3-71021761-C-T.
Other names: c.1594G>A, p.Val532Ile (NM_001244808.3, NM_001349341.3); c.1369G>A, p.Val457Ile (NM_001244812.3); c.1297G>A, p.Val433Ile (NM_001244813.3, NM_001244815.2, NM_001349342.3); c.1597G>A, p.Val533Ile (NM_001244814.3, NM_001244816.2, NM_001349340.3 and 1 more transcripts); c.1294G>A, p.Val432Ile (NM_001349337.2, NM_001349343.3, NM_001349344.3 and 1 more transcripts); c.1531-430G>A (NM_001244810.2); short protein forms V432I, V433I, V457I, V532I, V533I.
Identifiers: ClinVar variation 4071681 (VCV004071681.1).

ClinVar aggregate classification (germline): Uncertain significance (1 of 4 stars; one submission).

gnomAD v4.1: 1 of 1,614,158 alleles (0.000062%); highest among the groups gnomAD compares: Non-Finnish European, 0.000085%; no homozygotes.

Submission:

GeneDx
Classification: Uncertain significance. Last evaluated: 2025-01-21. Review status: criteria provided, single submitter. Criteria: GeneDx Variant Classification Process June 2021. Collection method: clinical testing. Allele origin: germline. Affected: yes.
Comment: Not observed at significant frequency in large population cohorts (gnomAD); In silico analysis indicates that this missense variant does not alter protein structure/function; Has not been previously published as pathogenic or benign to our knowledge